The following is an entry in ClinVar:

ClinVar aggregate classification (germline): Uncertain significance (1 of 4 stars; one submission).

Conditions:
Inborn genetic diseases. Identifiers: MedGen C0950123, MeSH D030342.

Submission:

Ambry Genetics
Classification: Uncertain significance for Inborn genetic diseases. Last evaluated: 2026-08-05. Review status: criteria provided, single submitter. Criteria: Ambry Variant Classification Scheme 2023. Collection method: clinical testing. Allele origin: germline.
Comment: The p.P136S variant (also known as c.406C>T), located in coding exon 4 of the ETV6 gene, results from a C to T substitution at nucleotide position 406. The proline at codon 136 is replaced by serine, an amino acid with similar properties. This amino acid position is conserved. In addition, this alteration is predicted to be tolerated by in silico analysis. Based on the available evidence, the clinical significance of this variant remains unclear.

NM_001987.5(ETV6):c.406C>T (p.Pro136Ser)

Gene: ETV6 (ETS variant transcription factor 6; plus strand). Cytogenetic location: 12p13.2.
Variant type: single nucleotide variant.
Coding change: c.406C>T on transcript NM_001987.5 (MANE Select); coding-DNA position 406, C replaced by T.
Protein change: p.Pro136Ser; replaces proline 136 with serine.
Molecular consequence: missense variant.
Genome position (GRCh38, 1-based): chr12:11,853,504, C>T. VCF-style: chr12-11853504-C-T. GRCh37 (hg19) VCF-style: chr12-12006438-C-T.
Other names: c.406C>T, p.Pro136Ser (NM_001413917.1, NM_001413916.1); c.403C>T, p.Pro135Ser (NM_001413913.1); c.379C>T, p.Pro127Ser (NM_001413914.1); c.142C>T, p.Pro48Ser (NM_001413915.1); short protein forms P127S, P48S, P135S, P136S.
Identifiers: ClinVar variation 5036214 (VCV005036214.1).